The following is an entry in ClinVar:

NM_004958.4(MTOR):c.2515-3C>T

Gene: MTOR (mechanistic target of rapamycin kinase; minus strand). Cytogenetic location: 1p36.22.
Variant type: single nucleotide variant.
Coding change: c.2515-3C>T on transcript NM_004958.4 (MANE Select); 3 bases into the intron before coding-DNA position 2515, C replaced by T.
Molecular consequence: intron variant.
Genome position (GRCh38, 1-based): chr1:11,231,437, G>A on the plus strand (C>T on the coding strand, the complement: MTOR is on the minus strand). VCF-style: chr1-11231437-G-A. GRCh37 (hg19) VCF-style: chr1-11291494-G-A.
Other names: c.1267-3C>T (NM_001386501.1); c.2515-3C>T (NM_001386500.1).
Identifiers: ClinVar variation 2713457 (VCV002713457.3), dbSNP rs1315358255, ClinGen allele CA521161956.
Genomic context (GRCh38, chr1:11,231,437, plus strand): 5'-AGGGCTCTACTACATAGCCAGTGCTGGCCACCAACTGTCCCAGGGTCCACAGAGCCACCT[G>A]GATAGGCACAAGAACACGATTCAATGAGCCAGTACGAGAGAAAAGAAAGCATAGTTGAAC-3'

ClinVar aggregate classification (germline): Uncertain significance (1 of 4 stars; one submission).

Allele frequency attached by ClinVar (database versions not stated): TOPMed below 0.00001; gnomAD 0.00001.
gnomAD v4.1: 16 of 1,613,688 alleles (0.00099%); highest among the groups gnomAD compares: Non-Finnish European, 0.0013%; no homozygotes.

Submission:

Labcorp Genetics (formerly Invitae), Labcorp
Classification: Uncertain significance. Last evaluated: 2024-01-16. Review status: criteria provided, single submitter. Criteria: Invitae Variant Classification Sherloc (09022015). Collection method: clinical testing. Allele origin: germline.
Comment: This sequence change falls in intron 16 of the MTOR gene. It does not directly change the encoded amino acid sequence of the MTOR protein. It affects a nucleotide within the consensus splice site. This variant is present in population databases (no rsID available, gnomAD 0.007%). This variant has not been reported in the literature in individuals affected with MTOR-related conditions. Variants that disrupt the consensus splice site are a relatively common cause of aberrant splicing (PMID: 17576681, 9536098). Algorithms developed to predict the effect of sequence changes on RNA splicing suggest that this variant is not likely to affect RNA splicing. In summary, the available evidence is currently insufficient to determine the role of this variant in disease. Therefore, it has been classified as a Variant of Uncertain Significance.

Literature cited by the submitters: PubMed 17576681; PubMed 9536098.